The following is an entry in ClinVar:

ClinVar aggregate classification (germline): Uncertain significance (1 of 4 stars; one submission).

Conditions:
Inborn genetic diseases. Identifiers: MedGen C0950123, MeSH D030342.

gnomAD v4.1: 4 of 1,610,758 alleles (0.00025%); highest among the groups gnomAD compares: Non-Finnish European, 0.00034%; no homozygotes.

Submission:

Ambry Genetics
Classification: Uncertain significance for Inborn genetic diseases. Last evaluated: 2026-06-18. Review status: criteria provided, single submitter. Criteria: Ambry Variant Classification Scheme 2023. Collection method: clinical testing. Allele origin: germline.
Comment: The p.A266D variant (also known as c.797C>A), located in coding exon 7 of the PAX5 gene, results from a C to A substitution at nucleotide position 797. The alanine at codon 266 is replaced by aspartic acid, an amino acid with dissimilar properties. This amino acid position is conserved. In addition, this alteration is predicted to be deleterious by in silico analysis. Based on the available evidence, the clinical significance of this variant remains unclear.

NM_016734.3(PAX5):c.797C>A (p.Ala266Asp)

Gene: PAX5 (paired box 5; minus strand). Cytogenetic location: 9p13.2.
Variant type: single nucleotide variant.
Coding change: c.797C>A on transcript NM_016734.3 (MANE Select); coding-DNA position 797, C replaced by A.
Protein change: p.Ala266Asp; replaces alanine 266 with aspartic acid.
Molecular consequence: missense variant. On other transcripts: intron variant (2).
Genome position (GRCh38, 1-based): chr9:36,923,468, G>T on the plus strand (C>A on the coding strand, the complement: PAX5 is on the minus strand). VCF-style: chr9-36923468-G-T. GRCh37 (hg19) VCF-style: chr9-36923465-G-T.
Other names: c.797C>A, p.Ala266Asp (NM_001280548.2, NM_001280552.2, NM_001280547.2); c.473C>A, p.Ala158Asp (NM_001280551.2, NM_001280556.2); c.668C>A, p.Ala223Asp (NM_001280553.2, NM_001280554.2); c.599C>A, p.Ala200Asp (NM_001280555.2); c.780+43081C>A (NM_001280550.2, NM_001280549.2); short protein forms A223D, A266D, A200D, A158D.
Identifiers: ClinVar variation 5026284 (VCV005026284.1).
Genomic context (GRCh38, chr9:36,923,468, plus strand): 5'-GGGGTGGGGCTGGCCAGATTGGCCTTCATGTCGTCCAGCCCACCAGCCAGCGAGGCCATG[G>T]CTGAATACTCTGTGGTCTGAAAGAAGAAACAGAGACGTCTCAGCACCAAGACTCCACAGT-3'
Protein context (NP_057953.1, residues 256-276): IKPEQTTEYS[Ala266Asp]MASLAGGLDD